The following is an entry in ClinVar:

ClinVar aggregate classification (germline): Uncertain significance. Review status: criteria provided, multiple submitters, no conflicts (2 of 4 stars). 2 submissions from 2 submitters: Uncertain significance (2). Last evaluated 2025-08-19.

Conditions:
Inborn genetic diseases. Identifiers: MedGen C0950123, MeSH D030342.

Allele frequency attached by ClinVar (database versions not stated): gnomAD 0.00002; gnomAD exomes 0.00002 and 0.00004; ExAC 0.00003; TOPMed 0.00003.
gnomAD v4.1: 31 of 1,613,628 alleles (0.0019%); highest among the groups gnomAD compares: Admixed American, 0.02%; no homozygotes.

Submissions (2):

Ambry Genetics
Classification: Uncertain significance for Inborn genetic diseases. Last evaluated: 2025-08-19. Review status: criteria provided, single submitter. Criteria: Ambry Variant Classification Scheme 2023. Collection method: clinical testing. Allele origin: germline.

Labcorp Genetics (formerly Invitae), Labcorp
Classification: Uncertain significance. Last evaluated: 2025-02-19. Review status: criteria provided, single submitter. Criteria: Invitae Variant Classification Sherloc (09022015). Collection method: clinical testing. Allele origin: germline.
Comment: This sequence change replaces aspartic acid, which is acidic and polar, with asparagine, which is neutral and polar, at codon 1192 of the AP3D1 protein (p.Asp1192Asn). This variant is present in population databases (rs757744074, gnomAD 0.02%). This variant has not been reported in the literature in individuals affected with AP3D1-related conditions. ClinVar contains an entry for this variant (Variation ID: 1383484). An algorithm developed to predict the effect of missense changes on protein structure and function (PolyPhen-2) suggests that this variant is likely to be disruptive. In summary, the available evidence is currently insufficient to determine the role of this variant in disease. Therefore, it has been classified as a Variant of Uncertain Significance.

NM_001261826.3(AP3D1):c.3574G>A (p.Asp1192Asn)

Gene: AP3D1 (adaptor related protein complex 3 subunit delta 1; minus strand). Cytogenetic location: 19p13.3.
Variant type: single nucleotide variant.
Coding change: c.3574G>A on transcript NM_001261826.3 (MANE Select); coding-DNA position 3574, G replaced by A.
Protein change: p.Asp1192Asn; replaces aspartic acid 1192 with asparagine.
Molecular consequence: missense variant.
Genome position (GRCh38, 1-based): chr19:2,102,247, C>T on the plus strand (G>A on the coding strand, the complement: AP3D1 is on the minus strand). VCF-style: chr19-2102247-C-T. GRCh37 (hg19) VCF-style: chr19-2102246-C-T.
Other names: c.3538G>A, p.Asp1180Asn (NM_001374799.1); c.3388G>A, p.Asp1130Asn (NM_003938.8); c.3388G>A (NM_003938.5); short protein forms D1180N, D1130N, D1192N.
Identifiers: ClinVar variation 1383484 (VCV001383484.9), dbSNP rs757744074, ClinGen allele CA9058313.
Genomic context (GRCh38, chr19:2,102,247, plus strand): 5'-GCGTCGCCTTCATCTCTTCTAACAAGTTGCTCAGTAGCGTGGAGTCACTGCACTTCCCGT[C>T]GACTGAGACAGAGTTCTCACCCTGTGTAAGGAAAAAAGATGGATATTTTAAAAGTGTGTG-3'
Protein context (NP_001248755.1, residues 1182-1202): VKKGENSVSV[Asp1192Asn]GKCSDSTLLS